The following is an entry in ClinVar:

ClinVar aggregate classification (germline): Uncertain significance. Review status: criteria provided, multiple submitters, no conflicts (2 of 4 stars). 5 submissions from 5 submitters: Uncertain significance (5). Last evaluated 2025-06-04.

Conditions:
Familial cancer of breast. Also called: Hereditary breast cancer; BREAST CANCER, FAMILIAL; hereditary breast carcinoma. Identifiers: Orphanet 227535, MedGen C0346153, MONDO:0016419, OMIM 114480. Disease mechanism: loss of function.
Hereditary cancer-predisposing syndrome. Also called: Tumor predisposition; Hereditary neoplastic syndrome; Neoplastic Syndromes, Hereditary; Hereditary Cancer Syndrome. Identifiers: Orphanet 140162, MedGen C0027672, MeSH D009386, MONDO:0015356.
Ataxia-telangiectasia syndrome (AT). Also called: Ataxia-telangiectasia, complementation group D; AT, COMPLEMENTATION GROUP C; ATAXIA-TELANGIECTASIA, COMPLEMENTATION GROUP A; ATAXIA-TELANGIECTASIA, FRESNO VARIANT; Ataxia-telangiectasia; LOUIS-BAR SYNDROME. Identifiers: Orphanet 100, MedGen C0004135, MONDO:0008840, OMIM 208900.

Submissions (5):

Quest Diagnostics Nichols Institute San Juan Capistrano
Classification: Uncertain significance. Last evaluated: 2025-06-04. Review status: criteria provided, single submitter. Criteria: Quest Diagnostics criteria. Collection method: clinical testing. Allele origin: unknown.

Ambry Genetics
Classification: Uncertain significance for Hereditary cancer-predisposing syndrome. Last evaluated: 2025-03-18. Review status: criteria provided, single submitter. Criteria: Ambry Variant Classification Scheme 2023. Collection method: clinical testing. Allele origin: germline.
Comment: The p.W2300C variant (also known as c.6900G>C), located in coding exon 46 of the ATM gene, results from a G to C substitution at nucleotide position 6900. The tryptophan at codon 2300 is replaced by cysteine, an amino acid with highly dissimilar properties. This amino acid position is highly conserved in available vertebrate species. In addition, this alteration is predicted to be deleterious by in silico analysis. Based on the available evidence, the clinical significance of this variant remains unclear.

Labcorp Genetics (formerly Invitae), Labcorp
Classification: Uncertain significance for Ataxia-telangiectasia syndrome. Last evaluated: 2024-08-08. Review status: criteria provided, single submitter. Criteria: Invitae Variant Classification Sherloc (09022015). Collection method: clinical testing. Allele origin: germline.
Comment: This sequence change replaces tryptophan, which is neutral and slightly polar, with cysteine, which is neutral and slightly polar, at codon 2300 of the ATM protein (p.Trp2300Cys). This variant is not present in population databases (gnomAD no frequency). This variant has not been reported in the literature in individuals affected with ATM-related conditions. ClinVar contains an entry for this variant (Variation ID: 661919). An algorithm developed to predict the effect of missense changes on protein structure and function (PolyPhen-2) suggests that this variant is likely to be disruptive. In summary, the available evidence is currently insufficient to determine the role of this variant in disease. Therefore, it has been classified as a Variant of Uncertain Significance.

Baylor Genetics
Classification: Uncertain significance for Familial cancer of breast. Last evaluated: 2023-08-02. Review status: criteria provided, single submitter. Criteria: ACMG Guidelines, 2015. Collection method: clinical testing. Allele origin: unknown.

Color Diagnostics, LLC DBA Color Health
Classification: Uncertain significance for Hereditary cancer-predisposing syndrome. Last evaluated: 2019-12-10. Review status: criteria provided, single submitter. Criteria: ACMG Guidelines, 2015. Collection method: clinical testing. Allele origin: germline.
Comment: This missense variant replaces tryptophan with cysteine at codon 2300 of the ATM protein. Computational prediction suggests that this variant may have deleterious impact on protein structure and function (internally defined REVEL score threshold >= 0.7, PMID: 27666373). Splice site prediction tools suggest that this variant may not impact RNA splicing. To our knowledge, functional studies have not been performed for this variant. This variant has not been reported in individuals affected with hereditary cancer in the literature. This variant has not been identified in the general population by the Genome Aggregation Database (gnomAD). The available evidence is insufficient to determine the role of this variant in disease conclusively. Therefore, this variant is classified as a Variant of Uncertain Significance.

NM_000051.4(ATM):c.6900G>C (p.Trp2300Cys)

Genes: ATM (ATM serine/threonine kinase; plus strand), C11orf65 (chromosome 11 open reading frame 65; minus strand). Cytogenetic location: 11q22.3.
Variant type: single nucleotide variant.
Coding change: c.6900G>C on transcript NM_000051.4 (MANE Select); coding-DNA position 6900, G replaced by C.
Protein change: p.Trp2300Cys; replaces tryptophan 2300 with cysteine.
Molecular consequence: missense variant. On other transcripts: intron variant (2).
Genome position (GRCh38, 1-based): chr11:108,326,150, G>C. VCF-style: chr11-108326150-G-C. GRCh37 (hg19) VCF-style: chr11-108196877-G-C.
Other names: c.6900G>C, p.Trp2300Cys (NM_001351834.2); c.641-17079C>G (NM_001330368.2); c.*38+9070C>G (NM_001351110.2); short protein forms W2300C.
Identifiers: ClinVar variation 661919 (VCV000661919.18), dbSNP rs1591133875, ClinGen allele CA382556956.